The following is an entry in ClinVar:

NM_001330078.2(NRXN1):c.2417A>G (p.Asp806Gly)

Gene: NRXN1 (neurexin 1; minus strand). Cytogenetic location: 2p16.3.
Variant type: single nucleotide variant.
Coding change: c.2417A>G on transcript NM_001330078.2 (MANE Select); coding-DNA position 2417, A replaced by G.
Protein change: p.Asp806Gly; replaces aspartic acid 806 with glycine.
Molecular consequence: missense variant.
Genome position (GRCh38, 1-based): chr2:50,506,575, T>C on the plus strand (A>G on the coding strand, the complement: NRXN1 is on the minus strand). VCF-style: chr2-50506575-T-C. GRCh37 (hg19) VCF-style: chr2-50733713-T-C.
Other names: c.2537A>G, p.Asp846Gly (NM_001135659.3); c.2393A>G, p.Asp798Gly (NM_001330077.2, NM_001330082.2); c.2351A>G, p.Asp784Gly (NM_001330083.2, NM_001330084.2); c.2390A>G, p.Asp797Gly (NM_001330085.2); c.2417A>G, p.Asp806Gly (NM_001330086.2, NM_004801.6); c.2306A>G, p.Asp769Gly (NM_001330087.2, NM_001330096.2); c.2336A>G, p.Asp779Gly (NM_001330088.2); c.2414A>G, p.Asp805Gly (NM_001330093.2); and 2 more; short protein forms D769G, D846G, D779G, D789G, D797G, D798G, D784G, D802G.
Identifiers: ClinVar variation 2083570 (VCV002083570.4), dbSNP rs2469001087, ClinGen allele CA346777991.

ClinVar aggregate classification (germline): Uncertain significance (1 of 4 stars; one submission).

Conditions:
Pitt-Hopkins-like syndrome 2 (PTHSL2). Identifiers: Orphanet 221150, Orphanet 600663, MedGen C3280479, MONDO:0013690, OMIM 614325.

Submission:

Labcorp Genetics (formerly Invitae), Labcorp
Classification: Uncertain significance for Pitt-Hopkins-like syndrome 2. Last evaluated: 2022-11-22. Review status: criteria provided, single submitter. Criteria: Invitae Variant Classification Sherloc (09022015). Collection method: clinical testing. Allele origin: germline.
Comment: In summary, the available evidence is currently insufficient to determine the role of this variant in disease. Therefore, it has been classified as a Variant of Uncertain Significance. Algorithms developed to predict the effect of missense changes on protein structure and function (SIFT, PolyPhen-2, Align-GVGD) all suggest that this variant is likely to be disruptive. This variant has not been reported in the literature in individuals affected with NRXN1-related conditions. This variant is not present in population databases (gnomAD no frequency). This sequence change replaces aspartic acid, which is acidic and polar, with glycine, which is neutral and non-polar, at codon 846 of the NRXN1 protein (p.Asp846Gly).